The following is an entry in ClinVar:

ClinVar aggregate classification (germline): Pathogenic. Review status: criteria provided, multiple submitters, no conflicts (2 of 4 stars). 9 submissions from 9 submitters: Pathogenic (6). 3 of the submissions do not count toward it. Last evaluated 2025-10-13.

Conditions:
Cardiovascular phenotype. Identifiers: MedGen CN230736.
Familial thoracic aortic aneurysm and aortic dissection (TAAD). Also called: Thoracic aortic aneurysms and dissections. Identifiers: Orphanet 91387, MedGen C4707243, MONDO:0019625.
Ehlers-Danlos syndrome, type 4 (EDSVASC). Also called: Ehlers-Danlos syndrome vascular type; Ehlers Danlos syndrome, ecchymotic type; Ehlers Danlos syndrome, arterial type; Ehlers Danlos syndrome, Sack-Barabas type; Ehlers-Danlos Syndrome Type IV. Identifiers: Orphanet 286, MedGen C0268338, MONDO:0017314, OMIM 130050.
Aortic dissection. Identifiers: MedGen C0340643, HP:0002647.

Allele frequency attached by ClinVar (database versions not stated): gnomAD exomes below 0.00001.

Submissions (9):

Labcorp Genetics (formerly Invitae), Labcorp
Classification: Pathogenic for Ehlers-Danlos syndrome, type 4. Last evaluated: 2025-10-13. Review status: criteria provided, single submitter. Criteria: Invitae Variant Classification Sherloc (09022015). Collection method: clinical testing. Allele origin: germline.
Comment: This sequence change creates a premature translational stop signal (p.Gly186Valfs*36) in the COL3A1 gene. It is expected to result in an absent or disrupted protein product. Loss-of-function variants in COL3A1 are known to be pathogenic (PMID: 24922459). This variant is not present in population databases (gnomAD no frequency). This premature translational stop signal has been observed in individual(s) with Ehlers-Danlos syndrome (PMID: 11577371). ClinVar contains an entry for this variant (Variation ID: 101141). For these reasons, this variant has been classified as Pathogenic.

Ambry Genetics
Classification: Pathogenic for Familial thoracic aortic aneurysm and aortic dissection. Last evaluated: 2025-08-06. Review status: criteria provided, single submitter. Criteria: Ambry Variant Classification Scheme 2023. Collection method: clinical testing. Allele origin: germline.
Comment: The c.555delT pathogenic mutation, located in coding exon 6 of the COL3A1 gene, results from a deletion of one nucleotide at nucleotide position 555, causing a translational frameshift with a predicted alternate stop codon (p.G186Vfs*36). This variant was reported in individual(s) with features consistent with COL3A1-related Ehlers-Danlos syndrome (Schwarze U et al. Am J Hum Genet, 2001 Nov;69:989-1001; Leistritz DF et al. Genet Med, 2011 Aug;13:717-22; Shalhub S et al. J Vasc Surg Cases Innov Tech, 2023 Jun;9:101192; Demirdas S et al. Circ Genom Precis Med, 2024 Jun;17:e003978; Liu H et al. J Vasc Surg, 2025 Mar;81:557-565.e7). This variant is considered to be rare based on population cohorts in the Genome Aggregation Database (gnomAD). This alteration is expected to result in loss of function by premature protein truncation or nonsense-mediated mRNA decay. As such, this alteration is interpreted as a disease-causing mutation.

Molecular Diagnostic Laboratory for Inherited Cardiovascular Disease, Montreal Heart Institute
Classification: Pathogenic for Cardiovascular phenotype. Last evaluated: 2025-06-17. Review status: criteria provided, single submitter. Criteria: ACMG Guidelines, 2015. Collection method: clinical testing. Allele origin: germline. Affected: yes.
Comment: PVS1, PM2, PS4_supp

Clinical Genetics Laboratory, Skane University Hospital Lund
Classification: Pathogenic for Aortic dissection. Last evaluated: 2025-05-14. Review status: criteria provided, single submitter. Criteria: ACMG Guidelines, 2015. Collection method: clinical testing. Allele origin: germline. Affected: yes.
Comment: ACMG-criteria applied: PVS1, PS3_Supporting, PS4_Moderate, PM2

Johns Hopkins Genomics, Johns Hopkins University
Classification: Pathogenic for Ehlers-Danlos syndrome, type 4. Last evaluated: 2020-01-02. Review status: criteria provided, single submitter. Criteria: ACMG Guidelines, 2015. Collection method: clinical testing. Allele origin: germline.

GeneDx
Classification: Pathogenic. Last evaluated: 2017-09-01. Review status: criteria provided, single submitter. Criteria: GeneDx Variant Classification (06012015). Collection method: clinical testing. Allele origin: germline. Affected: yes.
Comment: The c.555delT pathogenic variant in the COL3A1 gene has previously been reported in one individual with soft, velvety, translucent skin with atrophic scars, as well as multiple dissections involving the splenic and hepatic branches of the celiac artery and both renal arteries (Schwarze et al., 2001; Leistritz et al., 2011). This variant causes a shift in reading frame starting at codon glycine 186, changing it to a valine, and creating a premature stop codon at position 36 of the new reading frame, denoted p.Gly186ValfsX36. Moreover, mRNA studies demonstrated that c.555delT leads to the incorporation of a premature termination codon resulting in an unstable mRNA product that is rapidly degraded (Schwarze et al., 2001). Other downstream frameshift variants in the COL3A1 gene have been reported in HGMD in association with EDS type IV (Stenson et al., 2014), indicating that loss of function is a mechanism of disease for this gene. Furthermore, the c.555delT variant is not observed in large population cohorts (Lek et al., 2016; 1000 Genomes Consortium et al., 2015; Exome Variant Server).

Clinical Genetics DNA and cytogenetics Diagnostics Lab, Erasmus MC, Erasmus Medical Center
Classification: Pathogenic. Review status: no assertion criteria provided. Collection method: clinical testing. Allele origin: germline. Affected: yes. Study: VKGL Data-share Consensus. Not counted in ClinVar's aggregate classification.

Collagen Diagnostic Laboratory, University of Washington
Classification: Pathogenic for Ehlers-Danlos syndrome, type 4. Review status: no assertion criteria provided. Collection method: clinical testing. Allele origin: germline. Affected: yes. Not counted in ClinVar's aggregate classification.

Genome Diagnostics Laboratory, Amsterdam University Medical Center
Classification: Pathogenic. Review status: no assertion criteria provided. Collection method: clinical testing. Allele origin: germline. Affected: yes. Study: VKGL Data-share Consensus. Not counted in ClinVar's aggregate classification.

Literature cited by the submitters: PubMed 24922459 (cited by Labcorp Genetics (formerly Invitae), Labcorp); PubMed 11577371 (cited by 3 submitters); PubMed 21637106 (cited by Ambry Genetics and Collagen Diagnostic Laboratory, University of Washington); PubMed 37274436 (cited by Ambry Genetics); PubMed 38623759 (cited by Ambry Genetics); PubMed 39490460 (cited by Ambry Genetics).

NM_000090.4(COL3A1):c.555del (p.Gly186fs)

Gene: COL3A1 (collagen type III alpha 1 chain; plus strand). Cytogenetic location: 2q32.2.
Variant type: Deletion.
Coding change: c.555del on transcript NM_000090.4 (MANE Select); coding-DNA position 555, one base deleted (T; older notation c.555delT).
Protein change: p.Gly186fs; shifts the reading frame from glycine 186.
Molecular consequence: frameshift variant.
Genome position (GRCh38, 1-based): chr2:188,988,107, T deleted. VCF-style (leftmost placement, unchanged base first): chr2-188988106-CT-C. GRCh37 (hg19) VCF-style: chr2-189852832-CT-C.
Other names: c.555del (NM_000090.3); c.555delT (NM_000090.3); short protein forms G186fs.
Identifiers: ClinVar variation 101141 (VCV000101141.10), dbSNP rs587779451, ClinGen allele CA006973.